The following is an entry in ClinVar:

ClinVar aggregate classification (germline): Uncertain significance (1 of 4 stars; one submission).

Conditions:
Glucose-6-phosphate transport defect (GSD1B). Also called: GSD Ib; Glycogen Storage Disease Type Ib. Identifiers: Orphanet 364, Orphanet 79259, MedGen C0268146, MONDO:0009288, OMIM 232220.

Submission:

Labcorp Genetics (formerly Invitae), Labcorp
Classification: Uncertain significance for Glucose-6-phosphate transport defect. Last evaluated: 2021-09-07. Review status: criteria provided, single submitter. Criteria: Invitae Variant Classification Sherloc (09022015). Collection method: clinical testing. Allele origin: germline.
Comment: This variant is not present in population databases (ExAC no frequency). In summary, the available evidence is currently insufficient to determine the role of this variant in disease. Therefore, it has been classified as a Variant of Uncertain Significance. Experimental studies and prediction algorithms are not available or were not evaluated, and the functional significance of this variant is currently unknown. This variant has not been reported in the literature in individuals affected with SLC37A4-related conditions. This sequence change replaces leucine with arginine at codon 199 of the SLC37A4 protein (p.Leu199Arg). The leucine residue is moderately conserved and there is a moderate physicochemical difference between leucine and arginine.

NM_001164277.2(SLC37A4):c.596T>G (p.Leu199Arg)

Gene: SLC37A4 (solute carrier family 37 member 4; minus strand). Cytogenetic location: 11q23.3.
Variant type: single nucleotide variant.
Coding change: c.596T>G on transcript NM_001164277.2 (MANE Select); coding-DNA position 596, T replaced by G.
Protein change: p.Leu199Arg; replaces leucine 199 with arginine.
Molecular consequence: missense variant.
Genome position (GRCh38, 1-based): chr11:119,027,657, A>C on the plus strand (T>G on the coding strand, the complement: SLC37A4 is on the minus strand). VCF-style: chr11-119027657-A-C. GRCh37 (hg19) VCF-style: chr11-118898367-A-C.
Other names: c.596T>G, p.Leu199Arg (NM_001164278.2, NM_001164280.2, NM_001467.6); c.377T>G, p.Leu126Arg (NM_001164279.2); short protein forms L199R, L126R.
Identifiers: ClinVar variation 1468368 (VCV001468368.6), dbSNP rs2134637316, ClinGen allele CA382901973.
Genomic context (GRCh38, chr11:119,027,657, plus strand): 5'-GCCCCAGTGGTCGGTCTGGGTGGGGGCTCACCCTTCTTGCCCTCAGAGGGCATGGGGTCC[A>C]GGTTGCGGAGTCCAACATCAGCAGGTTCATTGTGGATGAGCAGGAGACAGAGGAAGGAGA-3'
Protein context (NP_001157749.1, residues 189-209): NEPADVGLRN[Leu199Arg]DPMPSEGKKG